The following is an entry in ClinVar:

NM_001098.3(ACO2):c.2300G>A (p.Arg767His)

Genes: ACO2 (aconitase 2; plus strand), POLR3H (RNA polymerase III subunit H; minus strand). Cytogenetic location: 22q13.2.
Variant type: single nucleotide variant.
Coding change: c.2300G>A on transcript NM_001098.3 (MANE Select); coding-DNA position 2300, G replaced by A.
Protein change: p.Arg767His; replaces arginine 767 with histidine.
Molecular consequence: missense variant. On other transcripts: 3 prime UTR variant (5).
Genome position (GRCh38, 1-based): chr22:41,528,570, G>A. VCF-style: chr22-41528570-G-A. GRCh37 (hg19) VCF-style: chr22-41924574-G-A.
Other names: p.Arg767His; c.*713C>T (NM_001018050.4, NM_001018052.4, NM_001282884.2 and 2 more transcripts); short protein forms R767H.
Identifiers: ClinVar variation 1435586 (VCV001435586.10), dbSNP rs202144797, ClinGen allele CA10257964.

ClinVar aggregate classification (germline): Conflicting classifications of pathogenicity. Review status: criteria provided, conflicting classifications (1 of 4 stars). 2 submissions from 2 submitters: Uncertain significance (1); Likely benign (1). Last evaluated 2025-07-31.

Allele frequency attached by ClinVar (database versions not stated): TOPMed 0.00001; ExAC 0.00015; gnomAD 0.00019 and 0.00020; gnomAD exomes 0.00020.
gnomAD v4.1: 133 of 1,612,818 alleles (0.0082%); highest among the groups gnomAD compares: South Asian, 0.027%; no homozygotes.

Submissions (2):

Mayo Clinic Laboratories, Mayo Clinic
Classification: Likely benign. Last evaluated: 2025-07-31. Review status: criteria provided, single submitter. Criteria: ACMG Guidelines, 2015. Collection method: clinical testing. Allele origin: germline. Observed: 1 variant allele.
Comment: BS1, BP4_moderate

Labcorp Genetics (formerly Invitae), Labcorp
Classification: Uncertain significance. Last evaluated: 2025-01-13. Review status: criteria provided, single submitter. Criteria: Invitae Variant Classification Sherloc (09022015). Collection method: clinical testing. Allele origin: germline.
Comment: This sequence change replaces arginine, which is basic and polar, with histidine, which is basic and polar, at codon 767 of the ACO2 protein (p.Arg767His). This variant is present in population databases (rs202144797, gnomAD 0.2%). This variant has not been reported in the literature in individuals affected with ACO2-related conditions. ClinVar contains an entry for this variant (Variation ID: 1435586). Invitae Evidence Modeling of protein sequence and biophysical properties (such as structural, functional, and spatial information, amino acid conservation, physicochemical variation, residue mobility, and thermodynamic stability) indicates that this missense variant is not expected to disrupt ACO2 protein function with a negative predictive value of 80%. In summary, the available evidence is currently insufficient to determine the role of this variant in disease. Therefore, it has been classified as a Variant of Uncertain Significance.